The following is an entry in ClinVar:

NM_000077.5(CDKN2A):c.341C>T (p.Pro114Leu)

Gene: CDKN2A (cyclin dependent kinase inhibitor 2A; minus strand). Cytogenetic location: 9p21.3.
Variant type: single nucleotide variant.
Coding change: c.341C>T on transcript NM_000077.5; coding-DNA position 341, C replaced by T.
Protein change: p.Pro114Leu; replaces proline 114 with leucine.
Molecular consequence: missense variant (on NM_000077.6). On other transcripts: synonymous variant (1), 3 prime UTR variant (1).
Genome position (GRCh38, 1-based): chr9:21,971,018, G>A on the plus strand (C>T on the coding strand, the complement: CDKN2A is on the minus strand). VCF-style: chr9-21971018-G-A. GRCh37 (hg19) VCF-style: chr9-21971017-G-A.
Other names: c.341C>T, p.Pro114Leu (NM_000077.6, NM_001195132.2); c.188C>T, p.Pro63Leu (NM_001363763.2); c.384C>T, p.Ala128= (NM_058195.4); c.*264C>T (NM_058197.5); short protein forms P114L, P63L.
Identifiers: ClinVar variation 77637 (VCV000077637.17), dbSNP rs121913386, ClinGen allele CA16602261.

ClinVar aggregate classification (germline): Conflicting classifications of pathogenicity. Review status: criteria provided, conflicting classifications (1 of 4 stars). 4 submissions from 4 submitters: Pathogenic (1); Likely pathogenic (1); Uncertain significance (1). 1 of the submissions does not count toward it. Last evaluated 2024-07-22.

Conditions:
Hereditary cancer-predisposing syndrome. Also called: Neoplastic Syndromes, Hereditary; Hereditary Cancer Syndrome; Tumor predisposition; Hereditary neoplastic syndrome. Identifiers: Orphanet 140162, MedGen C0027672, MeSH D009386, MONDO:0015356.
Malignant tumor of urinary bladder. Also called: Bladder cancer; Urinary Bladder Neoplasms; Urinary bladder cancer. Identifiers: MedGen C0005684, MONDO:0001187, OMIM 109800.
Familial melanoma. Also called: Hereditary melanoma; Hereditary cutaneous melanoma. Identifiers: Orphanet 618, MedGen C1512419, MONDO:0018961.

Submissions (4):

Ambry Genetics
Classification: Pathogenic for Hereditary cancer-predisposing syndrome. Last evaluated: 2024-07-22. Review status: criteria provided, single submitter. Criteria: Ambry Variant Classification Scheme 2023. Collection method: clinical testing. Allele origin: germline.
Comment: The p.P114L variant (also known as c.341C>T), located in coding exon 2 of the CDKN2A gene, results from a C to T substitution at nucleotide position 341. The proline at codon 114 is replaced by leucine, an amino acid with similar properties. This alteration is non functional in multiple studies including with respect to CDK4/6 binding and cell cycle control (Miller PJ et al. Hum. Mutat. 2011 Aug;32(8):900-11; Parry and Peters, Mol. Cell. Biol. 1996 Jul;16(7):3844-52; Tevelev A et al. Biochemistry 1996 Jul;35(29):9475-87). This alteration has been observed in multiple individuals who have a personal or family history that is consistent with CDKN2A-associated disease (Ambry internal data; Fargnoli MC et al. J. Invest. Dermatol., 1998 Dec;111:1202-6; Miller PJ et al. Hum. Mutat., 2011 Aug;32:900-11). This amino acid position is highly conserved in available vertebrate species. In addition, this alteration is predicted to be deleterious by in silico analysis. Based on the majority of available evidence to date, this alteration is interpreted as a disease-causing mutation.

Women's Health and Genetics/Laboratory Corporation of America, LabCorp
Classification: Likely pathogenic for Familial melanoma. Last evaluated: 2021-01-08. Review status: criteria provided, single submitter. Criteria: LabCorp Variant Classification Summary - May 2015. Collection method: clinical testing. Allele origin: germline.
Comment: Variant summary: CDKN2A c.341C>T (p.Pro114Leu) results in a non-conservative amino acid change located in the Ankyrin repeat-containing domain (IPR020683) of the encoded protein sequence. Five of five in-silico tools predict a damaging effect of the variant on protein function. The variant was absent in 239394 control chromosomes (gnomAD). c.341C>T has been reported as a germline mutation in the literature in several individuals affected with familial melanoma (e.g. Fargnoli_1998, Spica_2011, Pellegrini_2019). However, no co-segregation studies have been performed, therefore these data do not allow any definitive conclusion about variant significance. The variant has also been reported numerous times as a somatic mutation in melanomas and other cancers. Multiple publications report experimental evidence evaluating an impact on protein function, indicating that the variant is non-functional and unable to bind Cdk4/Cdk6 or induce G1 cell cycle arrest in-vitro (e.g. Koh_1995, Parry_1996, Byeon_1998, Jiang_1998, Gump_2001, Miller _2011). Two other clinical diagnostic laboratories have submitted clinical-significance assessments for this variant to ClinVar after 2014 without evidence for independent evaluation. One laboratory cited the variant as pathogenic and one laboratory cited the variant as uncertain significance. Based on the evidence outlined above, the variant was classified as likely pathogenic.

Labcorp Genetics (formerly Invitae), Labcorp
Classification: Uncertain significance for Familial melanoma. Last evaluated: 2020-02-11. Review status: criteria provided, single submitter. Criteria: Invitae Variant Classification Sherloc (09022015). Collection method: clinical testing. Allele origin: germline.
Comment: This sequence change replaces proline with leucine at codon 114 of the CDKN2A (p16INK4a) protein (p.Pro114Leu). The proline residue is highly conserved and there is a moderate physicochemical difference between proline and leucine. In summary, the available evidence is currently insufficient to determine the role of this variant in disease. Therefore, it has been classified as a Variant of Uncertain Significance. This variant has been reported to affect CDKN2A (p16INK4a) protein function (PMID:¬†7777060,¬†7777061,¬†8668202, 9328469, 9053859,¬†12606942, 21462282). This variant has been observed in several individuals affected with melanoma (PMID: 9856841, 21462282). Segregation studies have not been reported. ClinVar contains an entry for this variant (Variation ID: 77637). This variant is not present in population databases (ExAC no frequency).

Laboratory of Urology, Hospital Clinic de Barcelona
Classification: Pathogenic for Malignant tumor of urinary bladder. Review status: no assertion criteria provided. Collection method: research. Allele origin: somatic. Affected: yes. Not counted in ClinVar's aggregate classification.

Literature cited by the submitters: PubMed 15140233 (cited by Ambry Genetics); PubMed 15146471 (cited by Ambry Genetics); PubMed 17992122 (cited by Ambry Genetics); PubMed 21462282 (cited by 3 submitters); PubMed 8668202 (cited by Ambry Genetics and Women's Health and Genetics/Laboratory Corporation of America, LabCorp); PubMed 8755727 (cited by Ambry Genetics and Women's Health and Genetics/Laboratory Corporation of America, LabCorp); PubMed 9856841 (cited by 3 submitters); PubMed 9660926 (cited by Women's Health and Genetics/Laboratory Corporation of America, LabCorp); PubMed 30742731 (cited by Women's Health and Genetics/Laboratory Corporation of America, LabCorp); PubMed 20505745 (cited by Women's Health and Genetics/Laboratory Corporation of America, LabCorp); PubMed 11358797 (cited by Women's Health and Genetics/Laboratory Corporation of America, LabCorp); PubMed 30291219 (cited by Women's Health and Genetics/Laboratory Corporation of America, LabCorp); PubMed 9710613 (cited by Women's Health and Genetics/Laboratory Corporation of America, LabCorp); PubMed 24336570 (cited by Women's Health and Genetics/Laboratory Corporation of America, LabCorp); PubMed 7777061 (cited by Women's Health and Genetics/Laboratory Corporation of America, LabCorp); PubMed 28146043 (cited by Women's Health and Genetics/Laboratory Corporation of America, LabCorp); PubMed 8834170 (cited by Women's Health and Genetics/Laboratory Corporation of America, LabCorp); PubMed 11078762 (cited by Women's Health and Genetics/Laboratory Corporation of America, LabCorp); PubMed 21507037 (cited by Women's Health and Genetics/Laboratory Corporation of America, LabCorp).